The following is an entry in ClinVar:

NM_000350.3(ABCA4):c.2653+1G>C

Gene: ABCA4 (ATP binding cassette subfamily A member 4; minus strand). Cytogenetic location: 1p22.1.
Variant type: single nucleotide variant.
Coding change: c.2653+1G>C on transcript NM_000350.3 (MANE Select); the canonical splice donor site of the intron after coding-DNA position 2653, G replaced by C.
Molecular consequence: splice donor variant.
Genome position (GRCh38, 1-based): chr1:94,051,632, C>G on the plus strand (G>C on the coding strand, the complement: ABCA4 is on the minus strand). VCF-style: chr1-94051632-C-G. GRCh37 (hg19) VCF-style: chr1-94517188-C-G.
Identifiers: ClinVar variation 1066866 (VCV001066866.7), dbSNP rs1212420029, ClinGen allele CA341276063.

ClinVar aggregate classification (germline): Likely pathogenic (1 of 4 stars; one submission).

Allele frequency attached by ClinVar (database versions not stated): TOPMed below 0.00001.

Submission:

Labcorp Genetics (formerly Invitae), Labcorp
Classification: Likely pathogenic. Last evaluated: 2020-09-23. Review status: criteria provided, single submitter. Criteria: Invitae Variant Classification Sherloc (09022015). Collection method: clinical testing. Allele origin: germline.
Comment: In summary, the currently available evidence indicates that the variant is pathogenic, but additional data are needed to prove that conclusively. Therefore, this variant has been classified as Likely Pathogenic. Donor and acceptor splice site variants typically lead to a loss of protein function (PMID: 16199547), and loss-of-function variants in ABCA4 are known to be pathogenic (PMID: 10958761, 24938718, 25312043, 26780318). Algorithms developed to predict the effect of sequence changes on RNA splicing suggest that this variant may disrupt the consensus splice site, but this prediction has not been confirmed by published transcriptional studies. This variant has not been reported in the literature in individuals with ABCA4-related disease. This variant is not present in population databases (ExAC no frequency). This sequence change affects a donor splice site in intron 17 of the ABCA4 gene. It is expected to disrupt RNA splicing and likely results in an absent or disrupted protein product.

Literature cited by the submitters: PubMed 16199547; PubMed 10958761; PubMed 24938718; PubMed 25312043; PubMed 26780318.